The following is an entry in ClinVar:

NM_004999.4(MYO6):c.535G>T (p.Asp179Tyr)

Gene: MYO6 (myosin VI; plus strand). Cytogenetic location: 6q14.1.
Variant type: single nucleotide variant.
Coding change: c.535G>T on transcript NM_004999.4 (MANE Select); coding-DNA position 535, G replaced by T.
Protein change: p.Asp179Tyr; replaces aspartic acid 179 with tyrosine.
Molecular consequence: missense variant. On other transcripts: non-coding transcript variant (2).
Genome position (GRCh38, 1-based): chr6:75,835,938, G>T. VCF-style: chr6-75835938-G-T. GRCh37 (hg19) VCF-style: chr6-76545655-G-T.
Other names: c.535G>T, p.Asp179Tyr (NM_001300899.2, NM_001368136.1, NM_001368137.1 and 5 more transcripts); short protein forms D179Y.
Identifiers: ClinVar variation 517508 (VCV000517508.4), dbSNP rs1554205683, ClinGen allele CA364769055.

ClinVar aggregate classification (germline): Likely pathogenic (1 of 4 stars; one submission).

Conditions:
Rare genetic deafness. Identifiers: Orphanet 96210, MedGen C5680250.

Submission:

Laboratory for Molecular Medicine, Mass General Brigham Personalized Medicine
Classification: Likely pathogenic for Rare genetic deafness. Last evaluated: 2017-08-26. Review status: criteria provided, single submitter. Criteria: LMM Criteria. Collection method: clinical testing. Allele origin: germline. Inheritance: Autosomal dominant inheritance. Observed: 1 variant allele.
Comment: The p.Asp179Tyr variant in MYO6 has not been previously reported in individuals with hearing loss and was absent from large population studies. The aspartic aci d (Asp) residue at position 179 is highly conserved across species including mic e, and the same variant (p.Asp179Tyr) was identified in a dominant mouse mutant (Tailchaser) displaying hearing and vestibular dysfunction (Hertzano 2008). Scan ning electron microscopy (SEM) of cochlea from both heterozygous and homozygous Tailchaser mice showed structural defects in the stereocilia, and severely disor ganized hair bundles compared to wild-type mice. In addition, an in vitro functi onal assay revealed that the mutant p.Asp179Tyr protein localized to endocytic v esicles but failed to transport the vesicles to the early endosome (Hertzano 200 8). In summary, although additional studies are required to fully establish its clinical significance, this variant is likely pathogenic based on the functional evidence and absence in the general population.

Literature cited by the submitters: PubMed 18833301.